The following is an entry in ClinVar:

NM_015910.7(WDPCP):c.137T>C (p.Leu46Ser)

Gene: WDPCP (WD repeat containing planar cell polarity effector; minus strand). Cytogenetic location: 2p15.
Variant type: single nucleotide variant.
Coding change: c.137T>C on transcript NM_015910.7 (MANE Select); coding-DNA position 137, T replaced by C.
Protein change: p.Leu46Ser; replaces leucine 46 with serine.
Molecular consequence: missense variant. On other transcripts: non-coding transcript variant (2).
Genome position (GRCh38, 1-based): chr2:63,492,879, A>G on the plus strand (T>C on the coding strand, the complement: WDPCP is on the minus strand). VCF-style: chr2-63492879-A-G. GRCh37 (hg19) VCF-style: chr2-63720013-A-G.
Other names: c.65T>C, p.Leu22Ser (NM_001354044.2); c.137T>C, p.Leu46Ser (NM_001354045.2); short protein forms L22S, L46S.
Identifiers: ClinVar variation 3357976 (VCV003357976.1).

ClinVar aggregate classification (germline): Uncertain significance (0 of 4 stars; one submission).

Conditions:
WDPCP-related disorder. Also called: WDPCP-related condition.

gnomAD v4.1: 15 of 1,613,582 alleles (0.00093%); highest among the groups gnomAD compares: African/African-American, 0.0027%; no homozygotes.

Submission:

PreventionGenetics, part of Exact Sciences
Classification: Uncertain significance for WDPCP-related condition. Last evaluated: 2024-01-24. Review status: no assertion criteria provided. Collection method: clinical testing. Allele origin: germline.
Comment: The WDPCP c.137T>C variant is predicted to result in the amino acid substitution p.Leu46Ser. To our knowledge, this variant has not been reported in the literature. This variant is reported in 0.0056% of alleles in individuals of East Asian descent in gnomAD. At this time, the clinical significance of this variant is uncertain due to the absence of conclusive functional and genetic evidence.